The following is an entry in ClinVar:

ClinVar aggregate classification (germline): Uncertain significance (1 of 4 stars; one submission).

Conditions:
STAT6-related condition.

gnomAD v4.1: 5 of 1,614,108 alleles (0.00031%); highest among the groups gnomAD compares: South Asian, 0.0011%; no homozygotes.

Submission:

PreventionGenetics, part of Exact Sciences
Classification: Uncertain significance for STAT6-related condition. Last evaluated: 2026-06-27. Review status: criteria provided, single submitter. Criteria: ACMG Guidelines, 2015. Collection method: clinical testing. Allele origin: germline.
Comment: The STAT6 c.1891+1G>A variant is predicted to disrupt the GT donor site and interfere with normal splicing. To our knowledge, this variant has not been reported in the literature. This variant is reported in 0.00088% of alleles in individuals of European (Non-Finnish) descent in gnomAD. At this time, the clinical significance of this variant is uncertain due to the absence of conclusive functional and genetic evidence.

NM_003153.5(STAT6):c.1891+1G>A

Gene: STAT6 (signal transducer and activator of transcription 6; minus strand). Cytogenetic location: 12q13.3.
Variant type: single nucleotide variant.
Coding change: c.1891+1G>A on transcript NM_003153.5 (MANE Select); the canonical splice donor site of the intron after coding-DNA position 1891, G replaced by A.
Molecular consequence: splice donor variant.
Genome position (GRCh38, 1-based): chr12:57,099,293, C>T on the plus strand (G>A on the coding strand, the complement: STAT6 is on the minus strand). VCF-style: chr12-57099293-C-T. GRCh37 (hg19) VCF-style: chr12-57493076-C-T.
Other names: c.1561+1G>A (NM_001178081.2, NM_001178080.2); c.1891+1G>A (NM_001178078.2, NM_001178079.2).
Identifiers: ClinVar variation 4994701 (VCV004994701.1).
Genomic context (GRCh38, chr12:57,099,293, plus strand): 5'-AGCGGGGAGCAGGGAGGAAGTGGGTGACAGGAAGGAATCAGAGCTGCCAGTTCCAGCTCA[C>T]GCTTGTAGTGGCTCCGGAAAGCCTCATCCTTGGGCTTCTTGGGATAGAGATTTTTGAGCT-3'